The following is an entry in ClinVar:

NM_001080421.3(UNC13A):c.1970C>T (p.Thr657Met)

Gene: UNC13A (unc-13 homolog A; minus strand). Cytogenetic location: 19p13.11.
Variant type: single nucleotide variant.
Coding change: c.1970C>T on transcript NM_001080421.3 (MANE Select); coding-DNA position 1970, C replaced by T.
Protein change: p.Thr657Met; replaces threonine 657 with methionine.
Molecular consequence: missense variant.
Genome position (GRCh38, 1-based): chr19:17,647,339, G>A on the plus strand (C>T on the coding strand, the complement: UNC13A is on the minus strand). VCF-style: chr19-17647339-G-A. GRCh37 (hg19) VCF-style: chr19-17758148-G-A.
Other names: c.1964C>T, p.Thr655Met (NM_001387021.1, NM_001387022.1, NM_001387023.1); short protein forms T655M, T657M.
Identifiers: ClinVar variation 3357197 (VCV003357197.1).

ClinVar aggregate classification (germline): Uncertain significance (0 of 4 stars; one submission).

Conditions:
UNC13A-related disorder. Also called: UNC13A-related condition.

gnomAD v4.1: 30 of 1,612,710 alleles (0.0019%); highest among the groups gnomAD compares: South Asian, 0.026%; no homozygotes.

Submission:

PreventionGenetics, part of Exact Sciences
Classification: Uncertain significance for UNC13A-related condition. Last evaluated: 2024-03-06. Review status: no assertion criteria provided. Collection method: clinical testing. Allele origin: germline.
Comment: The UNC13A c.1970C>T variant is predicted to result in the amino acid substitution p.Thr657Met. To our knowledge, this variant has not been reported in the literature. This variant is reported in 0.026% of alleles in individuals of South Asian descent in gnomAD. At this time, the clinical significance of this variant is uncertain due to the absence of conclusive functional and genetic evidence.